The following is an entry in ClinVar:

ClinVar aggregate classification (germline): Uncertain significance. Review status: criteria provided, multiple submitters, no conflicts (2 of 4 stars). 2 submissions from 2 submitters: Uncertain significance (2). Last evaluated 2026-03-07.

Conditions:
Familial thoracic aortic aneurysm and aortic dissection (TAAD). Also called: Thoracic aortic aneurysms and dissections. Identifiers: Orphanet 91387, MedGen C4707243, MONDO:0019625.
Ehlers-Danlos syndrome, classic type, 1 (EDSCL1). Also called: Ehlers-Danlos syndrome, type 1; Ehlers-Danlos Syndrome, Classic Type, COL5A1-Related; EDS I; EHLERS-DANLOS SYNDROME, GRAVIS TYPE; EHLERS-DANLOS SYNDROME, SEVERE CLASSIC TYPE. Identifiers: MedGen C0268335, MONDO:0019567, OMIM 130000.

Allele frequency attached by ClinVar (database versions not stated): TOPMed 0.00002; ESP Exome Variant Server 0.00008; gnomAD exomes below 0.00001.
gnomAD v4.1: 8 of 1,613,580 alleles (0.0005%); highest among the groups gnomAD compares: Non-Finnish European, 0.00051%; no homozygotes.

Submissions (2):

Ambry Genetics
Classification: Uncertain significance for Familial thoracic aortic aneurysm and aortic dissection. Last evaluated: 2026-03-07. Review status: criteria provided, single submitter. Criteria: Ambry Variant Classification Scheme 2023. Collection method: clinical testing. Allele origin: germline.
Comment: The p.P650L variant (also known as c.1949C>T), located in coding exon 19 of the COL5A1 gene, results from a C to T substitution at nucleotide position 1949. The proline at codon 650 is replaced by leucine, an amino acid with similar properties. This amino acid position is conserved. In addition, the in silico prediction for this alteration is inconclusive. Based on the available evidence, the clinical significance of this variant remains unclear.

Labcorp Genetics (formerly Invitae), Labcorp
Classification: Uncertain significance for Ehlers-Danlos syndrome, classic type, 1. Last evaluated: 2022-03-18. Review status: criteria provided, single submitter. Criteria: Invitae Variant Classification Sherloc (09022015). Collection method: clinical testing. Allele origin: germline.
Comment: This sequence change replaces proline, which is neutral and non-polar, with leucine, which is neutral and non-polar, at codon 650 of the COL5A1 protein (p.Pro650Leu). This variant is not present in population databases (gnomAD no frequency). This variant has not been reported in the literature in individuals affected with COL5A1-related conditions. ClinVar contains an entry for this variant (Variation ID: 844439). Advanced modeling of protein sequence and biophysical properties (such as structural, functional, and spatial information, amino acid conservation, physicochemical variation, residue mobility, and thermodynamic stability) performed at Invitae indicates that this missense variant is not expected to disrupt COL5A1 protein function. In summary, the available evidence is currently insufficient to determine the role of this variant in disease. Therefore, it has been classified as a Variant of Uncertain Significance.

NM_000093.5(COL5A1):c.1949C>T (p.Pro650Leu)

Gene: COL5A1 (collagen type V alpha 1 chain; plus strand). Cytogenetic location: 9q34.3.
Variant type: single nucleotide variant.
Coding change: c.1949C>T on transcript NM_000093.5 (MANE Select); coding-DNA position 1949, C replaced by T.
Protein change: p.Pro650Leu; replaces proline 650 with leucine.
Molecular consequence: missense variant.
Genome position (GRCh38, 1-based): chr9:134,761,938, C>T. VCF-style: chr9-134761938-C-T. GRCh37 (hg19) VCF-style: chr9-137653784-C-T.
Other names: c.1949C>T (NM_000093.3); c.1949C>T, p.Pro650Leu (NM_001278074.1); short protein forms P650L.
Identifiers: ClinVar variation 844439 (VCV000844439.12), dbSNP rs150890005, ClinGen allele CA201093724.
Genomic context (GRCh38, chr9:134,761,938, plus strand): 5'-GCATGACCTGCTCAGGAGAGGCTGACGTTGACCCTTTCACTTCCTAGGGTGACCCTGGTC[C>T]TTCCGGCCCACCAGGACCTCCGGGAGACGATGGAGAAAGGGTAGGTATTCTGCCGTCCCT-3'
Protein context (NP_000084.3, residues 640-660): GEKGHRGDPG[Pro650Leu]SGPPGPPGDD